The following is an entry in ClinVar:

NM_000302.4(PLOD1):c.1097+3G>C

Gene: PLOD1 (procollagen-lysine,2-oxoglutarate 5-dioxygenase 1; plus strand). Cytogenetic location: 1p36.22.
Variant type: single nucleotide variant.
Coding change: c.1097+3G>C on transcript NM_000302.4 (MANE Select); 3 bases into the intron after coding-DNA position 1097, G replaced by C.
Molecular consequence: intron variant.
Genome position (GRCh38, 1-based): chr1:11,960,770, G>C. VCF-style: chr1-11960770-G-C. GRCh37 (hg19) VCF-style: chr1-12020827-G-C.
Other names: NC_000001.10:g.12020827G>C; c.1238+3G>C (NM_001316320.2).
Identifiers: ClinVar variation 451924 (VCV000451924.3), dbSNP rs1553135489, ClinGen allele CA658656876.

ClinVar aggregate classification (germline): Uncertain significance (1 of 4 stars; one submission).

Submissions (2):

GeneDx
Classification: Uncertain significance. Last evaluated: 2017-09-11. Review status: criteria provided, single submitter. Criteria: GeneDx Variant Classification (06012015). Collection method: clinical testing. Allele origin: germline. Affected: yes.
Comment: A variant of uncertain significance has been identified in the PLOD1 gene. The c.1097+3 G>C variant has not been published as pathogenic or been reported as benign to our knowledge. The c.1097+3 G>C variant is not observed in large population cohorts (Lek et al., 2016; 1000 Genomes Consortium et al., 2015; Exome Variant Server). Multiple in silico splice algorithms predict c.1097+3 G>C destroys the natural splice donor site for intron 10, which may result in aberrant gene splicing. Furthermore, other splice site variants in the PLOD1 gene have been reported in the Human Gene Mutation Database (HGMD) in association with kEDS (Stenson et al., 2014). However, in the absence of functional mRNA studies, the physiological consequence of this variant cannot be precisely determined.

Dr. Peter K. Rogan Lab, Western University
No classification provided (evidence only). Condition: Uterine corpus endometrial carcinoma. Review status: no classification provided. Collection method: in vitro. Allele origin: not applicable. Functional consequence: skipped exon, retained intron. Not counted in ClinVar's aggregate classification.